The following is an entry in ClinVar:

NM_001303256.3(MORC2):c.988G>T (p.Val330Leu)

Gene: MORC2 (MORC family CW-type zinc finger 2; minus strand). Cytogenetic location: 22q12.2.
Variant type: single nucleotide variant.
Coding change: c.988G>T on transcript NM_001303256.3 (MANE Select); coding-DNA position 988, G replaced by T.
Protein change: p.Val330Leu; replaces valine 330 with leucine.
Molecular consequence: missense variant.
Genome position (GRCh38, 1-based): chr22:30,939,706, C>A on the plus strand (G>T on the coding strand, the complement: MORC2 is on the minus strand). VCF-style: chr22-30939706-C-A. GRCh37 (hg19) VCF-style: chr22-31335693-C-A.
Other names: c.988G>T, p.Val330Leu (NM_001303257.2); c.802G>T, p.Val268Leu (NM_014941.3); short protein forms V330L, V268L.
Identifiers: ClinVar variation 2815570 (VCV002815570.3), dbSNP rs1390155636, ClinGen allele CA411239901.

ClinVar aggregate classification (germline): Uncertain significance (1 of 4 stars; one submission).

Conditions:
Charcot-Marie-Tooth disease axonal type 2Z. Also called: CHARCOT-MARIE-TOOTH DISEASE, AXONAL, AUTOSOMAL DOMINANT, TYPE 2Z; CHARCOT-MARIE-TOOTH NEUROPATHY, TYPE 2Z. Identifiers: Orphanet 466768, MedGen C5569025, MONDO:0014736, OMIM 616688.

Allele frequency attached by ClinVar (database versions not stated): gnomAD 0.00001.
gnomAD v4.1: 3 of 1,613,714 alleles (0.00019%); highest among the groups gnomAD compares: African/African-American, 0.0027%; no homozygotes.

Submission:

Labcorp Genetics (formerly Invitae), Labcorp
Classification: Uncertain significance for Charcot-Marie-Tooth disease axonal type 2Z. Last evaluated: 2022-11-22. Review status: criteria provided, single submitter. Criteria: Invitae Variant Classification Sherloc (09022015). Collection method: clinical testing. Allele origin: germline.
Comment: In summary, the available evidence is currently insufficient to determine the role of this variant in disease. Therefore, it has been classified as a Variant of Uncertain Significance. Algorithms developed to predict the effect of sequence changes on RNA splicing suggest that this variant may create or strengthen a splice site. Algorithms developed to predict the effect of missense changes on protein structure and function are either unavailable or do not agree on the potential impact of this missense change (SIFT: "Not Available"; PolyPhen-2: "Benign"; Align-GVGD: "Not Available"). This variant has not been reported in the literature in individuals affected with MORC2-related conditions. This variant is present in population databases (no rsID available, gnomAD 0.01%). This sequence change replaces valine, which is neutral and non-polar, with leucine, which is neutral and non-polar, at codon 330 of the MORC2 protein (p.Val330Leu).